The following is an entry in ClinVar:

ClinVar aggregate classification (germline): Uncertain significance. Review status: criteria provided, multiple submitters, no conflicts (2 of 4 stars). 2 submissions from 2 submitters: Uncertain significance (2). Last evaluated 2024-05-03.

Conditions:
Ataxia - intellectual disability - oculomotor apraxia - cerebellar cysts syndrome. Also called: Poretti-Boltshauser syndrome. Identifiers: Orphanet 370022, MedGen C4014821, MONDO:0014419, OMIM 615960.

Allele frequency attached by ClinVar (database versions not stated): gnomAD exomes below 0.00001; TOPMed below 0.00001; gnomAD 0.00001.
gnomAD v4.1: 3 of 1,614,174 alleles (0.00019%); highest among the groups gnomAD compares: Middle Eastern, 0.05%; no homozygotes.

Submissions (2):

GeneDx
Classification: Uncertain significance. Last evaluated: 2024-05-03. Review status: criteria provided, single submitter. Criteria: GeneDx Variant Classification Process June 2021. Collection method: clinical testing. Allele origin: germline. Affected: yes.
Comment: Not observed at significant frequency in large population cohorts (gnomAD); In silico analysis indicates that this missense variant does not alter protein structure/function; Has not been previously published as pathogenic or benign to our knowledge

Victorian Clinical Genetics Services, Murdoch Childrens Research Institute
Classification: Uncertain significance for Ataxia - intellectual disability - oculomotor apraxia - cerebellar cysts syndrome. Last evaluated: 2021-05-06. Review status: criteria provided, single submitter. Criteria: ACMG Guidelines, 2015. Collection method: clinical testing. Allele origin: germline. Inheritance: Autosomal recessive inheritance.
Comment: Based on the classification scheme VCGS_Germline_v1.3.4, this variant is classified as VUS-3C. Following criteria are met: 0102 - Loss of function is a known mechanism of disease in this gene and is associated with Poretti-Boltshauser syndrome (MIM#615960). (I) 0106 - This gene is associated with autosomal recessive disease. (I) 0200 - Variant is predicted to result in a missense amino acid change from phenylalanine to leucine. (I) 0252 - This variant is homozygous. (I) 0304 - Variant is present in gnomAD <0.01 for a recessive condition (1 heterozygote, 0 homozygotes). (SP) 0504 - Same amino acid change has been observed in placental mammals. (SB) 0600 - Variant is located in the annotated Laminin G-like 5 domain (Uniprot). (I) 0705 - No comparable missense variants have previous evidence for pathogenicity. (I) 0807 - This variant has no previous evidence of pathogenicity. (I) 0905 - No published segregation evidence has been identified for this variant. (I) 1007 - No published functional evidence has been identified for this variant. (I) Legend: (SP) - Supporting pathogenic, (I) - Information, (SB) - Supporting benign

NM_005559.4(LAMA1):c.9160T>C (p.Phe3054Leu)

Gene: LAMA1 (laminin subunit alpha 1; minus strand). Cytogenetic location: 18p11.31.
Variant type: single nucleotide variant.
Coding change: c.9160T>C on transcript NM_005559.4 (MANE Select); coding-DNA position 9160, T replaced by C.
Protein change: p.Phe3054Leu; replaces phenylalanine 3054 with leucine.
Molecular consequence: missense variant.
Genome position (GRCh38, 1-based): chr18:6,942,147, A>G on the plus strand (T>C on the coding strand, the complement: LAMA1 is on the minus strand). VCF-style: chr18-6942147-A-G. GRCh37 (hg19) VCF-style: chr18-6942146-A-G.
Other names: short protein forms F3054L.
Identifiers: ClinVar variation 1804955 (VCV001804955.2), dbSNP rs1600334664, ClinGen allele CA401832083.
Genomic context (GRCh38, chr18:6,942,147, plus strand): 5'-CGGTCCCAGGACAGGAATGAAGGAAAACTCCGTGCAGTTCGAACGCTCTGCTGAAGTCAA[A>G]GGACTGCACCTGCGGGCTCTTAATCAGAGCTAGCTTCCTCAAACACCCGCGGAACGAGGT-3'
Protein context (NP_005550.2, residues 3044-3064): ALIKSPQVQS[Phe3054Leu]DFSRAFELHG